The following is an entry in ClinVar:

NM_001035.3(RYR2):c.13154A>G (p.Lys4385Arg)

Genes: RYR2 (ryanodine receptor 2; plus strand), LOC126806068 (BRD4-independent group 4 enhancer GRCh37_chr1:237947411-237948610; plus strand). Cytogenetic location: 1q43.
Variant type: single nucleotide variant.
Coding change: c.13154A>G on transcript NM_001035.3 (MANE Select); coding-DNA position 13154, A replaced by G.
Protein change: p.Lys4385Arg; replaces lysine 4385 with arginine.
Molecular consequence: missense variant.
Genome position (GRCh38, 1-based): chr1:237,784,866, A>G. VCF-style: chr1-237784866-A-G. GRCh37 (hg19) VCF-style: chr1-237948166-A-G.
Other names: short protein forms K4385R.
Identifiers: ClinVar variation 3074780 (VCV003074780.1), dbSNP rs2527800288, ClinGen allele CA345415464.
Genomic context (GRCh38, chr1:237,784,866, plus strand): 5'-ACTTAAAGGAGCTGACAGAGGAAAGTGACCTTCTTTCGGACATCTTTGGCCTGGATCTGA[A>G]GAGAGAAGGAGGACAGTACAAACTGATTCCTCATAATCCAAATGCTGGGCTCAGTGACCT-3'
Protein context (NP_001026.2, residues 4375-4395): LLSDIFGLDL[Lys4385Arg]REGGQYKLIP

ClinVar aggregate classification (germline): Uncertain significance (1 of 4 stars; one submission).

Conditions:
Catecholaminergic polymorphic ventricular tachycardia (CVPT). Also called: Catecholamine-induced polymorphic ventricular tachycardia. Identifiers: Orphanet 3286, MedGen C5574922, MONDO:0017990.

Submission:

All of Us Research Program, National Institutes of Health
Classification: Uncertain significance for Catecholaminergic polymorphic ventricular tachycardia. Last evaluated: 2023-12-13. Review status: criteria provided, single submitter. Criteria: ACMG Guidelines, 2015. Collection method: clinical testing. Allele origin: germline. Inheritance: Autosomal dominant inheritance. Observed: 1 variant allele, 1 heterozygote.
Comment: This missense variant replaces lysine with arginine at codon 4385 of the RYR2 protein. Computational prediction suggests that this variant may not impact protein structure and function (internally defined REVEL score threshold <= 0.5, PMID: 27666373). To our knowledge, functional studies have not been reported for this variant. This variant has not been reported in individuals affected with RYR2-related disorders in the literature. This variant has not been identified in the general population by the Genome Aggregation Database (gnomAD). The available evidence is insufficient to determine the role of this variant in disease conclusively. Therefore, this variant is classified as a Variant of Uncertain Significance.

This study involves interpretation of variants in research participants for the purpose of population health screening. Participant phenotype was not available at the time of variant classification. Additional details can be found in publication PMID: 35346344, PMCID: PMC8962531